The following is an entry in ClinVar:

ClinVar aggregate classification (germline): Conflicting classifications of pathogenicity. Review status: criteria provided, conflicting classifications (1 of 4 stars). 4 submissions from 4 submitters: Uncertain significance (1); Likely benign (3). Last evaluated 2025-12-01.

Submissions (4):

CeGaT Center for Human Genetics Tuebingen
Classification: Likely benign. Last evaluated: 2025-12-01. Review status: criteria provided, single submitter. Criteria: CeGaT Center For Human Genetics Tuebingen Variant Classification Criteria Version 2. Collection method: clinical testing. Allele origin: germline. Affected: yes. Observed: 3 variant alleles.
Comment: ARID1B: BP3

Labcorp Genetics (formerly Invitae), Labcorp
Classification: Likely benign. Last evaluated: 2025-11-11. Review status: criteria provided, single submitter. Criteria: Invitae Variant Classification Sherloc (09022015). Collection method: clinical testing. Allele origin: germline.

GeneDx
Classification: Likely benign. Last evaluated: 2023-02-27. Review status: criteria provided, single submitter. Criteria: GeneDx Variant Classification Process June 2021. Collection method: clinical testing. Allele origin: germline. Affected: yes.
Comment: See Variant Classification Assertion Criteria.

Genetic Services Laboratory, University of Chicago
Classification: Uncertain significance. Last evaluated: 2018-08-08. Review status: criteria provided, single submitter. Criteria: ACMG Guidelines, 2015. Collection method: clinical testing. Allele origin: germline. Affected: no.

NM_001374828.1(ARID1B):c.1620GGCGGCGGCGGG[1] (p.541AAAG[1])

Gene: ARID1B (AT-rich interaction domain 1B; plus strand). Cytogenetic location: 6q25.3.
Variant type: Microsatellite.
Coding change: c.1620GGCGGCGGCGGG[1] on transcript NM_001374828.1 (MANE Select); one copy of the 12-base unit GGCGGCGGCGGG starting at c.1620; the reference has two copies in a row; one copy, 12 bases deleted.
Protein change: p.541AAAG[1].
Molecular consequence: inframe deletion.
Genome position (GRCh38, 1-based): chr6:156,779,312-156,779,323, GGCGGCGGCGGG deleted; deleting any 12 consecutive bases within chr6:156,779,300-156,779,323 gives the same sequence; the position shown is the placement nearest the transcript's 3' end. VCF-style (leftmost placement, unchanged base first): chr6-156779299-CGGCGGCGGCGGG-C. GRCh37 (hg19) VCF-style: chr6-157100433-CGGCGGCGGCGGG-C.
Other names: c.1383_1394del (NM_020732.3); c.1383_1394delGGCGGCGGCGGG (NM_020732.3); c.1620GGCGGCGGCGGG[1], p.541AAAG[1] (NM_001371656.1, NM_001374820.1, NM_017519.3).
Identifiers: ClinVar variation 1205496 (VCV001205496.32), dbSNP rs1239601972, ClinGen allele CA571907165.
Genomic context (GRCh38, chr6:156,779,299, plus strand): 5'-ACCCCGAGTACAGCAGCCCCAGCGCGCCGCCGCCGCCGCCGTCGCAGCCCCAGTCCCAGG[CGGCGGCGGCGGG>C]GGCGGCGGCGGGCGGCCAGCAGGCGGCCGCGGGCATGGGCTTGGGCAAGGACATGGGCGC-3'